The following is an entry in ClinVar:

ClinVar aggregate classification (germline): Uncertain significance (1 of 4 stars; one submission).

Conditions:
Progressive microcephaly-seizures-cortical blindness-developmental delay syndrome. Also called: Seizures, cortical blindness, and microcephaly syndrome. Identifiers: Orphanet 477814, MedGen C5567650, MONDO:0014714, OMIM 616632.
Autosomal dominant nonsyndromic hearing loss 1. Also called: DEAFNESS, AUTOSOMAL DOMINANT 1, WITH OR WITHOUT THROMBOCYTOPENIA; KONIGSMARK SYNDROME. Identifiers: Orphanet 90635, MedGen C1852282, MONDO:0007424, OMIM 124900.

Submission:

Labcorp Genetics (formerly Invitae), Labcorp
Classification: Uncertain significance for Progressive microcephaly-seizures-cortical blindness-developmental delay syndrome; Autosomal dominant nonsyndromic hearing loss 1. Last evaluated: 2025-06-11. Review status: criteria provided, single submitter. Criteria: Invitae Variant Classification Sherloc (09022015). Collection method: clinical testing. Allele origin: germline.
Comment: This sequence change replaces cysteine, which is neutral and slightly polar, with tryptophan, which is neutral and slightly polar, at codon 220 of the DIAPH1 protein (p.Cys220Trp). This variant is not present in population databases (gnomAD no frequency). This variant has not been reported in the literature in individuals affected with DIAPH1-related conditions. Experimental studies and prediction algorithms are not available or were not evaluated, and the functional significance of this variant is currently unknown. In summary, the available evidence is currently insufficient to determine the role of this variant in disease. Therefore, it has been classified as a Variant of Uncertain Significance.

NM_005219.5(DIAPH1):c.660C>G (p.Cys220Trp)

Gene: DIAPH1 (diaphanous related formin 1; minus strand). Cytogenetic location: 5q31.3.
Variant type: single nucleotide variant.
Coding change: c.660C>G on transcript NM_005219.5 (MANE Select); coding-DNA position 660, C replaced by G.
Protein change: p.Cys220Trp; replaces cysteine 220 with tryptophan.
Molecular consequence: missense variant.
Genome position (GRCh38, 1-based): chr5:141,582,336, G>C on the plus strand (C>G on the coding strand, the complement: DIAPH1 is on the minus strand). VCF-style: chr5-141582336-G-C. GRCh37 (hg19) VCF-style: chr5-140961903-G-C.
Other names: c.633C>G, p.Cys211Trp (NM_001079812.3); c.660C>G, p.Cys220Trp (NM_001314007.2); short protein forms C220W, C211W.
Identifiers: ClinVar variation 4785266 (VCV004785266.1).
Genomic context (GRCh38, chr5:141,582,336, plus strand): 5'-AGATGGGGTTTGGAATGAGAATGGGAAAAATCTCACCTTGTTGTTCATAAAAGCTTTCAA[G>C]CAGCGAATGATCTCATGCTTGTTCCGGCTATCGTAACTCCTGTATATAGAAGACATAATC-3'
Protein context (NP_005210.3, residues 210-230): DSRNKHEIIR[Cys220Trp]LKAFMNNKFG